The following is an entry in ClinVar:

NM_001267550.2(TTN):c.97315del (p.Gln32439fs)

Genes: TTN (titin; minus strand), TTN-AS1 (TTN antisense RNA 1; plus strand). Cytogenetic location: 2q31.2.
Variant type: Deletion.
Coding change: c.97315del on transcript NM_001267550.2 (MANE Select); coding-DNA position 97315, one base deleted (C; older notation c.97315delC).
Protein change: p.Gln32439fs; shifts the reading frame from glutamine 32439.
Molecular consequence: frameshift variant.
Genome position (GRCh38, 1-based): chr2:178,542,441, G deleted on the plus strand (C on the coding strand, the reverse complement: TTN is on the minus strand). VCF-style (leftmost placement, unchanged base first): chr2-178542440-TG-T. GRCh37 (hg19) VCF-style: chr2-179407167-TG-T.
Other names: c.92392del, p.Gln30798fs (NM_001256850.1); c.70120del, p.Gln23374fs (NM_003319.4); c.89611del, p.Gln29871fs (NM_133378.4); c.70495del, p.Gln23499fs (NM_133432.3); c.70696del, p.Gln23566fs (NM_133437.4); c.70120delC (NM_003319.4); short protein forms Q23499fs, Q29871fs, Q30798fs, Q32439fs, Q23374fs, Q23566fs.
Identifiers: ClinVar variation 4193812 (VCV004193812.1).

ClinVar aggregate classification (germline): Likely pathogenic (1 of 4 stars; one submission).

Conditions:
Cardiovascular phenotype. Identifiers: MedGen CN230736.

Submission:

Ambry Genetics
Classification: Likely pathogenic for Cardiovascular phenotype. Last evaluated: 2025-08-29. Review status: criteria provided, single submitter. Criteria: Ambry Variant Classification Scheme 2023. Collection method: clinical testing. Allele origin: germline.
Comment: The c.70120delC (p.Q23374Nfs*16) alteration, located in exon 177 (coding exon 176) of the TTN gene, consists of a deletion of one nucleotide at position 70120, causing a translational frameshift with a predicted alternate stop codon after 16 amino acids. This variant is expected to result in loss of function by premature protein truncation or nonsense-mediated mRNA decay. This variant was not reported in population-based cohorts in the Genome Aggregation Database (gnomAD). This exon is located in the A-band region of the N2-B isoform of the titin protein and is constitutively expressed in TTN transcripts (percent spliced in or PSI 100%). While truncating variants in TTN are present in 1-3% of the general population, truncating variants in the A-band are the most common cause of dilated cardiomyopathy (Herman, 2012; Roberts, 2015). TTN truncating variants encoded in constitutive exons (PSI >90%) have been found to be significantly associated with DCM regardless of their position in titin (Schafer, 2017; Akhtar, 2020; Massier, 2025). Based on the available evidence, this alteration is classified as likely pathogenic.

Literature cited by the submitters: PubMed 22335739; PubMed 25589632; PubMed 27869827; PubMed 32964742; PubMed 39844436.